The following is an entry in ClinVar:

NM_003672.4(CDC14A):c.1226G>T (p.Arg409Leu)

Gene: CDC14A (cell division cycle 14A; plus strand). Cytogenetic location: 1p21.2.
Variant type: single nucleotide variant.
Coding change: c.1226G>T on transcript NM_003672.4 (MANE Select); coding-DNA position 1226, G replaced by T.
Protein change: p.Arg409Leu; replaces arginine 409 with leucine.
Molecular consequence: missense variant.
Genome position (GRCh38, 1-based): chr1:100,494,906, G>T. VCF-style: chr1-100494906-G-T. GRCh37 (hg19) VCF-style: chr1-100960462-G-T.
Other names: c.1226G>T, p.Arg409Leu (NM_001319210.2, NM_033312.3); c.1052G>T, p.Arg351Leu (NM_001319211.2); c.347G>T, p.Arg116Leu (NM_001319212.2); short protein forms R351L, R116L, R409L.
Identifiers: ClinVar variation 1379681 (VCV001379681.6), dbSNP rs375533263, ClinGen allele CA341355303.

ClinVar aggregate classification (germline): Uncertain significance (1 of 4 stars; one submission).

gnomAD v4.1: 10 of 1,608,412 alleles (0.00062%); highest among the groups gnomAD compares: Admixed American, 0.0017%; no homozygotes.

Submission:

Labcorp Genetics (formerly Invitae), Labcorp
Classification: Uncertain significance. Last evaluated: 2021-09-04. Review status: criteria provided, single submitter. Criteria: Invitae Variant Classification Sherloc (09022015). Collection method: clinical testing. Allele origin: germline.
Comment: This sequence change replaces arginine with leucine at codon 409 of the CDC14A protein (p.Arg409Leu). The arginine residue is moderately conserved and there is a moderate physicochemical difference between arginine and leucine. This variant is not present in population databases (ExAC no frequency). This variant has not been reported in the literature in individuals affected with CDC14A-related conditions. Algorithms developed to predict the effect of missense changes on protein structure and function (SIFT, PolyPhen-2, Align-GVGD) all suggest that this variant is likely to be tolerated. In summary, the available evidence is currently insufficient to determine the role of this variant in disease. Therefore, it has been classified as a Variant of Uncertain Significance.